The following is an entry in ClinVar:

NM_000321.3(RB1):c.2653G>A (p.Ala885Thr)

Gene: RB1 (RB transcriptional corepressor 1; plus strand). Cytogenetic location: 13q14.2.
Variant type: single nucleotide variant.
Coding change: c.2653G>A on transcript NM_000321.3 (MANE Select); coding-DNA position 2653, G replaced by A.
Protein change: p.Ala885Thr; replaces alanine 885 with threonine.
Molecular consequence: missense variant.
Genome position (GRCh38, 1-based): chr13:48,476,833, G>A. VCF-style: chr13-48476833-G-A. GRCh37 (hg19) VCF-style: chr13-49050969-G-A.
Other names: short protein forms A885T.
Identifiers: ClinVar variation 458155 (VCV000458155.10), dbSNP rs752897010, ClinGen allele CA036655.

ClinVar aggregate classification (germline): Conflicting classifications of pathogenicity. Review status: criteria provided, conflicting classifications (1 of 4 stars). 3 submissions from 3 submitters: Uncertain significance (1); Benign (1); Likely benign (1). Last evaluated 2026-06-22.

Conditions:
Retinoblastoma (RB1). Also called: RETINOBLASTOMA, SOMATIC. Identifiers: Orphanet 790, MedGen C0035335, MeSH D012175, MONDO:0008380, OMIM 180200, HP:0009919. Disease mechanism: loss of function. Inheritance: Both sporadic and heritable forms are tested..
Hereditary cancer-predisposing syndrome. Also called: Hereditary neoplastic syndrome; Neoplastic Syndromes, Hereditary; Hereditary Cancer Syndrome; Tumor predisposition. Identifiers: Orphanet 140162, MedGen C0027672, MeSH D009386, MONDO:0015356.

Allele frequency attached by ClinVar (database versions not stated): TOPMed below 0.00001; ExAC 0.00002; gnomAD exomes 0.00001.
gnomAD v4.1: 22 of 1,613,594 alleles (0.0014%); highest among the groups gnomAD compares: South Asian, 0.02%; 1 homozygote.

Submissions (3):

Myriad Genetics, Inc.
Classification: Likely benign for Retinoblastoma. Last evaluated: 2026-06-22. Review status: criteria provided, single submitter. Criteria: Myriad Autosomal Dominant, Autosomal Recessive and X-Linked Classification Criteria (2023). Collection method: clinical testing. Allele origin: unknown.
Comment: This variant is considered likely benign. This variant has been observed at a population frequency that is significantly greater than expected given the associated disease prevalence and penetrance.

Ambry Genetics
Classification: Benign for Hereditary cancer-predisposing syndrome. Last evaluated: 2025-09-24. Review status: criteria provided, single submitter. Criteria: Ambry Variant Classification Scheme 2023. Collection method: clinical testing. Allele origin: germline.

Labcorp Genetics (formerly Invitae), Labcorp
Classification: Uncertain significance for Retinoblastoma. Last evaluated: 2024-07-21. Review status: criteria provided, single submitter. Criteria: Invitae Variant Classification Sherloc (09022015). Collection method: clinical testing. Allele origin: germline.
Comment: This sequence change replaces alanine, which is neutral and non-polar, with threonine, which is neutral and polar, at codon 885 of the RB1 protein (p.Ala885Thr). This variant is present in population databases (rs752897010, gnomAD 0.01%). This variant has not been reported in the literature in individuals affected with RB1-related conditions. ClinVar contains an entry for this variant (Variation ID: 458155). Advanced modeling of protein sequence and biophysical properties (such as structural, functional, and spatial information, amino acid conservation, physicochemical variation, residue mobility, and thermodynamic stability) has been performed at Invitae for this missense variant, however the output from this modeling did not meet the statistical confidence thresholds required to predict the impact of this variant on RB1 protein function. In summary, the available evidence is currently insufficient to determine the role of this variant in disease. Therefore, it has been classified as a Variant of Uncertain Significance.